The following is an entry in ClinVar:

ClinVar aggregate classification (germline): Uncertain significance (1 of 4 stars; one submission).

Conditions:
H syndrome. Also called: FAISALABAD HISTIOCYTOSIS; Pigmented hypertrichosis and insulin-dependent diabetes mellitus; Asrar Facharzt Haque syndrome; HISTIOCYTOSIS AND LYMPHADENOPATHY WITH OR WITHOUT CUTANEOUS, CARDIAC, AND/OR ENDOCRINE FEATURES, JOINT CONTRACTURES, AND/OR DEAFNESS; HYPERPIGMENTATION, CUTANEOUS, WITH HYPERTRICHOSIS, HEPATOSPLENOMEGALY, HEART ANOMALIES, AND HYPOGONADISM WITH OR WITHOUT HEARING LOSS; PIGMENTED HYPERTRICHOSIS WITH INSULIN-DEPENDENT DIABETES MELLITUS. Identifiers: Orphanet 168569, MedGen C1864445, MONDO:0011273, OMIM 602782.

Allele frequency attached by ClinVar (database versions not stated): gnomAD exomes below 0.00001.

Submission:

Labcorp Genetics (formerly Invitae), Labcorp
Classification: Uncertain significance for H syndrome. Last evaluated: 2021-09-30. Review status: criteria provided, single submitter. Criteria: Invitae Variant Classification Sherloc (09022015). Collection method: clinical testing. Allele origin: germline.
Comment: This variant, c.713_715del, results in the deletion of 1 amino acid(s) of the SLC29A3 protein (p.Thr238_Val239delinsIle), but otherwise preserves the integrity of the reading frame. This variant is not present in population databases (ExAC no frequency). This variant has not been reported in the literature in individuals with SLC29A3-related conditions. Experimental studies and prediction algorithms are not available or were not evaluated, and the functional significance of this variant is currently unknown. In summary, the available evidence is currently insufficient to determine the role of this variant in disease. Therefore, it has been classified as a Variant of Uncertain Significance.

NM_018344.6(SLC29A3):c.713_715del (p.Thr238_Val239delinsIle)

Gene: SLC29A3 (solute carrier family 29 member 3; plus strand). Cytogenetic location: 10q22.1.
Variant type: Deletion.
Coding change: c.713_715del on transcript NM_018344.6 (MANE Select); coding-DNA positions 713 to 715, 3 bases deleted (CTG; older notation c.713_715delCTG).
Protein change: p.Thr238_Val239delinsIle.
Molecular consequence: inframe indel. On other transcripts: non-coding transcript variant (2).
Genome position (GRCh38, 1-based): chr10:71,356,183-71,356,185, CTG deleted. VCF-style (leftmost placement, unchanged base first): chr10-71356182-ACTG-A. GRCh37 (hg19) VCF-style: chr10-73115939-ACTG-A.
Other names: c.713_715del, p.Thr238_Val239delinsIle (NM_001174098.2); c.479_481del, p.Thr160_Val161delinsIle (NM_001363518.2).
Identifiers: ClinVar variation 999006 (VCV000999006.6), dbSNP rs1846903353, ClinGen allele CA470052719.